The following is an entry in ClinVar:

ClinVar aggregate classification (germline): Uncertain significance (3 of 4 stars; one submission).

Conditions:
CYP1B1-related glaucoma with or without anterior segment dysgenesis. Identifiers: MedGen CN375931, MONDO:0800472.

gnomAD v4.1: 7 of 1,580,372 alleles (0.00044%); highest among the groups gnomAD compares: Admixed American, 0.0036%; no homozygotes.

Submission:

ClinGen Glaucoma Variant Curation Expert Panel
Classification: Uncertain significance for CYP1B1-related glaucoma with or without anterior segment dysgenesis. Last evaluated: 2026-10-12. Review status: reviewed by expert panel. Criteria: ClinGen Glaucoma ACMG Specifications CYP1B1 V2.0. Collection method: curation. Allele origin: germline. Inheritance: Autosomal recessive inheritance.
Comment: The c.180C>G variant in CYP1B1 is a missense variant predicted to cause substitution of Isoleucine by Methionine at amino acid 60 (p.Ile60Met). This missense variant is located in the hinge region, meeting PM1. The highest minor allele frequency of this variant was in the Admixed American genetic ancestry group of gnomAD (v4.1) = 0.00003551 (2 alleles out of 56,330), which met the ≤ 0.0005 threshold set for PM2_Supporting in a genetic ancestry group of at least 2,000 alleles. This missense variant was not predicted to affect splicing, as assessed with SpliceAI (≤ 0.1) and the REVEL score = 0.535, which was neither above nor below the thresholds for PP3 (≥ 0.644) or BP4 (≤ 0.290), predicting a damaging or benign impact on CYP1B1 function. There was no functional evidence predicting a damaging or benign impact of this variant on CYP1B1 function. This variant has not been identified as homozygous or compound heterozygous with another variant in CYP1B1, therefore PM3 was not applied. In summary, this variant met the criteria to receive a score of 3 and to be classified as a variant of uncertain significance (uncertain significance classification range -1 to 5, adapted from PMID: 32720330) for CYP1B1-related glaucoma with or without anterior segment dysgenesis (ASD) based on the ACMG/AMP criteria met, as specified by the ClinGen Glaucoma VCEP (v2.0, 16.07.2026): PM1, PM2_Supporting.

NM_000104.4(CYP1B1):c.180C>G (p.Ile60Met)

Gene: CYP1B1 (cytochrome P450 family 1 subfamily B member 1; minus strand). Cytogenetic location: 2p22.2.
Variant type: single nucleotide variant.
Coding change: c.180C>G on transcript NM_000104.4 (MANE Select); coding-DNA position 180, C replaced by G.
Protein change: p.Ile60Met; replaces isoleucine 60 with methionine.
Molecular consequence: missense variant.
Genome position (GRCh38, 1-based): chr2:38,075,209, G>C on the plus strand (C>G on the coding strand, the complement: CYP1B1 is on the minus strand). VCF-style: chr2-38075209-G-C. GRCh37 (hg19) VCF-style: chr2-38302352-G-C.
Other names: NM_000104.4:c.180C>G; short protein forms I60M.
Identifiers: ClinVar variation 5018485 (VCV005018485.1).